The following is an entry in ClinVar:

ClinVar aggregate classification (germline): Uncertain significance. Review status: criteria provided, multiple submitters, no conflicts (2 of 4 stars). 2 submissions from 2 submitters: Uncertain significance (2). Last evaluated 2025-08-05.

Conditions:
Immunodeficiency, common variable, 10. Also called: IMMUNODEFICIENCY, COMMON VARIABLE, WITH CENTRAL ADRENAL INSUFFICIENCY; DEFICIT IN ANTERIOR PITUITARY FUNCTION AND VARIABLE IMMUNODEFICIENCY. Identifiers: MedGen C3809991, MONDO:0014260, OMIM 615577.
Inborn genetic diseases. Identifiers: MedGen C0950123, MeSH D030342.

Allele frequency attached by ClinVar (database versions not stated): gnomAD exomes below 0.00001.
gnomAD v4.1: 5 of 1,496,920 alleles (0.00033%); highest among the groups gnomAD compares: Non-Finnish European, 0.00045%; no homozygotes.

Submissions (2):

Ambry Genetics
Classification: Uncertain significance for Inborn genetic diseases. Last evaluated: 2025-08-05. Review status: criteria provided, single submitter. Criteria: Ambry Variant Classification Scheme 2023. Collection method: clinical testing. Allele origin: germline.

Labcorp Genetics (formerly Invitae), Labcorp
Classification: Uncertain significance for Immunodeficiency, common variable, 10. Last evaluated: 2022-08-19. Review status: criteria provided, single submitter. Criteria: Invitae Variant Classification Sherloc (09022015). Collection method: clinical testing. Allele origin: germline.
Comment: In summary, the available evidence is currently insufficient to determine the role of this variant in disease. Therefore, it has been classified as a Variant of Uncertain Significance. Algorithms developed to predict the effect of missense changes on protein structure and function output the following: SIFT: "Tolerated"; PolyPhen-2: "Benign"; Align-GVGD: "Class C0". The leucine amino acid residue is found in multiple mammalian species, which suggests that this missense change does not adversely affect protein function. ClinVar contains an entry for this variant (Variation ID: 963269). This variant has not been reported in the literature in individuals affected with NFKB2-related conditions. This variant is not present in population databases (gnomAD no frequency). This sequence change replaces proline, which is neutral and non-polar, with leucine, which is neutral and non-polar, at codon 437 of the NFKB2 protein (p.Pro437Leu).

NM_001322934.2(NFKB2):c.1310C>T (p.Pro437Leu)

Genes: NFKB2 (nuclear factor kappa B subunit 2; plus strand), LOC130004599 (ATAC-STARR-seq lymphoblastoid silent region 2756; plus strand). Cytogenetic location: 10q24.32.
Variant type: single nucleotide variant.
Coding change: c.1310C>T on transcript NM_001322934.2 (MANE Select); coding-DNA position 1310, C replaced by T.
Protein change: p.Pro437Leu; replaces proline 437 with leucine.
Molecular consequence: missense variant.
Genome position (GRCh38, 1-based): chr10:102,399,480, C>T. VCF-style: chr10-102399480-C-T. GRCh37 (hg19) VCF-style: chr10-104159237-C-T.
Other names: c.1310C>T, p.Pro437Leu (NM_001077494.3, NM_001261403.3, NM_001288724.1 and 1 more transcripts); c.1184C>T, p.Pro395Leu (NM_001322935.1); c.1310C>T (NM_001077494.1); short protein forms P437L, P395L.
Identifiers: ClinVar variation 963269 (VCV000963269.11), dbSNP rs2061183432, ClinGen allele CA377899339.
Genomic context (GRCh38, chr10:102,399,480, plus strand): 5'-GGGAGGAAGCCGCGGAGCCAAGCGCCCCCTCCAGGACCCCCCAGTGCGAGCCGCAGGCCC[C>T]GGAGATGCTGCAGCGAGGTATGGACTCCGGGGCACGGGCGGTCGGGGCGCCGGGGCTGAG-3'
Protein context (NP_001309863.1, residues 427-447): SRTPQCEPQA[Pro437Leu]EMLQRAREYN